The following is an entry in ClinVar:

ClinVar aggregate classification (germline): Pathogenic/Likely pathogenic. Review status: criteria provided, multiple submitters, no conflicts (2 of 4 stars). 2 submissions from 2 submitters: Pathogenic (1); Likely pathogenic (1). Last evaluated 2022-08-15.

Conditions:
Alzheimer disease 3 (AD3). Also called: ALZHEIMER DISEASE, FAMILIAL, 3. Identifiers: Orphanet 1020, MedGen C1843013, MONDO:0011913, OMIM 607822.
Pick disease. Also called: Pick's disease; PICK DISEASE OF BRAIN; LOBAR ATROPHY OF BRAIN; DEMENTIA WITH LOBAR ATROPHY AND NEURONAL CYTOPLASMIC INCLUSIONS; Pick Disease of the Brain. Identifiers: Orphanet 282, MedGen C0236642, MONDO:0008243, OMIM 172700.
Frontotemporal dementia (FTD1). Also called: WILHELMSEN-LYNCH DISEASE; FRONTOTEMPORAL DEMENTIA WITH PARKINSONISM; FRONTOTEMPORAL LOBE DEMENTIA; FRONTOTEMPORAL LOBAR DEGENERATION WITH TAU INCLUSIONS; FTLD WITH TAU INCLUSIONS; MULTIPLE SYSTEM TAUOPATHY WITH PRESENILE DEMENTIA. Identifiers: Orphanet 282, MedGen C0338451, MONDO:0017276, OMIM 600274, HP:0002145.
Acne inversa, familial, 3 (ACNINV3). Identifiers: MedGen C3151038, MONDO:0013398, OMIM 613737.

Submissions (2):

Women's Health and Genetics/Laboratory Corporation of America, LabCorp
Classification: Likely pathogenic for Alzheimer disease 3. Last evaluated: 2022-08-15. Review status: criteria provided, single submitter. Criteria: LabCorp Variant Classification Summary - May 2015. Collection method: clinical testing. Allele origin: germline.
Comment: Variant summary: PSEN1 c.1254G>C (p.Leu418Phe) results in a non-conservative amino acid change in the encoded protein sequence. Five of five in-silico tools predict a damaging effect of the variant on protein function. The variant was absent in 251412 control chromosomes. c.1254G>C has been reported in the literature in individuals affected with early onset Alzheimer Disease, Type 3 (example, Rogaeva_2001, Leverenz_2006, Lanoiselee_2017). At-least one these cases was sporadic reporting a de-novo origin (Lanoiselee_2017). These data indicate that the variant may be associated with disease. At least one publication reports experimental evidence evaluating an impact on protein function (Sun_2017). The most pronounced variant effect results in reduced production of both Abeta 42 and Abeta 40 peptides with increased Abeta 42/Abeta 40 ratio relative to the wild-type. The increased molar ratio of Abeta 42 over Abeta 40 is widely used as a surrogate indicator for the pathogenic effect of presenilin and APP mutations. One clinical diagnostic laboratory has submitted clinical-significance assessments for this variant to ClinVar after 2014 without evidence for independent evaluation and classified the variant as pathogenic. Based on the evidence outlined above, the variant was classified as likely pathogenic.

Labcorp Genetics (formerly Invitae), Labcorp
Classification: Pathogenic for Alzheimer disease 3; Pick disease; Acne inversa, familial, 3; Frontotemporal dementia. Last evaluated: 2019-11-25. Review status: criteria provided, single submitter. Criteria: Invitae Variant Classification Sherloc (09022015). Collection method: clinical testing. Allele origin: germline.
Comment: This sequence change replaces leucine with phenylalanine at codon 418 of the PSEN1 protein (p.Leu418Phe). The leucine residue is highly conserved and there is a small physicochemical difference between leucine and phenylalanine. This variant is not present in population databases (ExAC no frequency). For these reasons, this variant has been classified as Pathogenic. This variant disrupts the p.Leu418 amino acid residue in PSEN1. Other variant(s) that disrupt this residue have been observed in individuals with PSEN1-related conditions (PMID: 29571857), which suggests that this may be a clinically significant amino acid residue. This variant has been reported to affect PSEN1 protein function (PMID: 27930341). This variant has been observed in individual(s) with Alzheimer’s disease (PMID: 16533963, 28350801). In at least one individual the variant was observed to be de novo.

Literature cited by the submitters: PubMed 28350801 (cited by Women's Health and Genetics/Laboratory Corporation of America, LabCorp and Labcorp Genetics (formerly Invitae), Labcorp); PubMed 27930341 (cited by Women's Health and Genetics/Laboratory Corporation of America, LabCorp and Labcorp Genetics (formerly Invitae), Labcorp); PubMed 32556937 (cited by Women's Health and Genetics/Laboratory Corporation of America, LabCorp); PubMed 16533963 (cited by Women's Health and Genetics/Laboratory Corporation of America, LabCorp and Labcorp Genetics (formerly Invitae), Labcorp); PubMed 11524469 (cited by Women's Health and Genetics/Laboratory Corporation of America, LabCorp); PubMed 29571857 (cited by Labcorp Genetics (formerly Invitae), Labcorp).

NM_000021.4(PSEN1):c.1254G>C (p.Leu418Phe)

Gene: PSEN1 (presenilin 1; plus strand). Cytogenetic location: 14q24.2.
Variant type: single nucleotide variant.
Coding change: c.1254G>C on transcript NM_000021.4 (MANE Select); coding-DNA position 1254, G replaced by C.
Protein change: p.Leu418Phe; replaces leucine 418 with phenylalanine.
Molecular consequence: missense variant.
Genome position (GRCh38, 1-based): chr14:73,219,139, G>C. VCF-style: chr14-73219139-G-C. GRCh37 (hg19) VCF-style: chr14-73685847-G-C.
Other names: c.1242G>C, p.Leu414Phe (NM_007318.3); short protein forms L414F, L418F.
Identifiers: ClinVar variation 845851 (VCV000845851.11), dbSNP rs63751316, ClinGen allele CA390305963.